The following is an entry in ClinVar:

NM_000282.4(PCCA):c.1898T>C (p.Val633Ala)

Gene: PCCA (propionyl-CoA carboxylase subunit alpha; plus strand). Cytogenetic location: 13q32.3.
Variant type: single nucleotide variant.
Coding change: c.1898T>C on transcript NM_000282.4 (MANE Select); coding-DNA position 1898, T replaced by C.
Protein change: p.Val633Ala; replaces valine 633 with alanine.
Molecular consequence: missense variant. On other transcripts: non-coding transcript variant (5), intron variant (2).
Genome position (GRCh38, 1-based): chr13:100,449,304, T>C. VCF-style: chr13-100449304-T-C. GRCh37 (hg19) VCF-style: chr13-101101558-T-C.
Other names: c.1820T>C, p.Val607Ala (NM_001127692.3, NM_001352607.2); c.1898T>C, p.Val633Ala (NM_001178004.2, NM_001352609.2); c.1754T>C, p.Val585Ala (NM_001352606.2); c.1676T>C, p.Val559Ala (NM_001352608.2); c.953T>C, p.Val318Ala (NM_001352610.2); c.809T>C, p.Val270Ala (NM_001352612.2); c.1845+23573T>C (NM_001352605.2); c.900+23573T>C (NM_001352611.2); and 1 more; short protein forms V318A, V559A, V633A, V270A, V585A, V607A.
Identifiers: ClinVar variation 2187454 (VCV002187454.2), dbSNP rs375617644, ClinGen allele CA7033822.

ClinVar aggregate classification (germline): Uncertain significance. Review status: criteria provided, multiple submitters, no conflicts (2 of 4 stars). 2 submissions from 2 submitters: Uncertain significance (2). Last evaluated 2025-03-18.

Conditions:
Inborn genetic diseases. Identifiers: MedGen C0950123, MeSH D030342.
Propionic acidemia (PROP). Also called: GLYCINEMIA, KETOTIC; HYPERGLYCINEMIA WITH KETOACIDOSIS AND LEUKOPENIA; KETOTIC HYPERGLYCINEMIA. Identifiers: Orphanet 35, MedGen C0268579, MONDO:0011628, OMIM 606054, HP:0003571.

Allele frequency attached by ClinVar (database versions not stated): ESP Exome Variant Server 0.00028.
gnomAD v4.1: 2 of 1,508,446 alleles (0.00013%); highest among the groups gnomAD compares: African/African-American, 0.0014%; no homozygotes.

Submissions (2):

Ambry Genetics
Classification: Uncertain significance for Inborn genetic diseases. Last evaluated: 2025-03-18. Review status: criteria provided, single submitter. Criteria: Ambry Variant Classification Scheme 2023. Collection method: clinical testing. Allele origin: germline.

Labcorp Genetics (formerly Invitae), Labcorp
Classification: Uncertain significance for Propionic acidemia. Last evaluated: 2022-03-26. Review status: criteria provided, single submitter. Criteria: Invitae Variant Classification Sherloc (09022015). Collection method: clinical testing. Allele origin: germline.
Comment: This sequence change replaces valine, which is neutral and non-polar, with alanine, which is neutral and non-polar, at codon 633 of the PCCA protein (p.Val633Ala). This variant is not present in population databases (gnomAD no frequency). This variant has not been reported in the literature in individuals affected with PCCA-related conditions. Algorithms developed to predict the effect of missense changes on protein structure and function (SIFT, PolyPhen-2, Align-GVGD) all suggest that this variant is likely to be tolerated. In summary, the available evidence is currently insufficient to determine the role of this variant in disease. Therefore, it has been classified as a Variant of Uncertain Significance.